The following is an entry in ClinVar:

ClinVar aggregate classification (germline): Likely benign. Review status: criteria provided, single submitter (1 of 4 stars). 2 submissions from 2 submitters: Likely benign (1). 1 of the submissions does not count toward it. Last evaluated 2024-11-22.

Conditions:
HSF4-related disorder. Also called: HSF4-related condition.

Allele frequency attached by ClinVar (database versions not stated): 1000 Genomes Project 30x 0.00031; 1000 Genomes Project 0.00040; gnomAD 0.00176; TOPMed 0.00176; ESP Exome Variant Server 0.00209; ExAC 0.00246.
gnomAD v4.1: 3,918 of 1,600,870 alleles (0.24%); highest among the groups gnomAD compares: Non-Finnish European, 0.27%; 11 homozygotes.

Submissions (2):

Blueprint Genetics
Classification: Likely benign. Last evaluated: 2024-11-22. Review status: criteria provided, single submitter. Criteria: ACMG Guidelines, 2015. Collection method: clinical testing. Allele origin: germline.

PreventionGenetics, part of Exact Sciences
Classification: Benign for HSF4-related condition. Last evaluated: 2019-10-31. Review status: no assertion criteria provided. Collection method: clinical testing. Allele origin: germline. Not counted in ClinVar's aggregate classification.
Comment: This variant is classified as benign based on ACMG/AMP sequence variant interpretation guidelines (Richards et al. 2015 PMID: 25741868, with internal and published modifications).

NM_001374675.1(HSF4):c.915C>T (p.Ala305=)

Gene: HSF4 (heat shock transcription factor 4; plus strand). Cytogenetic location: 16q22.1.
Variant type: single nucleotide variant.
Coding change: c.915C>T on transcript NM_001374675.1 (MANE Select); coding-DNA position 915, C replaced by T.
Protein change: p.Ala305=; no amino-acid change (alanine 305 retained).
Molecular consequence: synonymous variant. On other transcripts: intron variant (2).
Genome position (GRCh38, 1-based): chr16:67,167,780, C>T. VCF-style: chr16-67167780-C-T. GRCh37 (hg19) VCF-style: chr16-67201683-C-T.
Other names: c.915C>T, p.Ala305= (NM_001040667.3); c.869-44C>T (NM_001538.4, NM_001374674.1).
Identifiers: ClinVar variation 3041882 (VCV003041882.3), dbSNP rs201298092, ClinGen allele CA8102038.